The following is an entry in ClinVar:

ClinVar aggregate classification (germline): Likely benign. Review status: criteria provided, single submitter (1 of 4 stars). 2 submissions from 2 submitters: Likely benign (1). 1 of the submissions does not count toward it. Last evaluated 2025-07-29.

Conditions:
FBN3-related disorder. Also called: FBN3-related condition.

Allele frequency attached by ClinVar (database versions not stated): gnomAD exomes 0.00004; ExAC 0.00012; 1000 Genomes Project 30x 0.00016; 1000 Genomes Project 0.00020; ESP Exome Variant Server 0.00023; TOPMed 0.00044.
gnomAD v4.1: 128 of 1,614,184 alleles (0.0079%); highest among the groups gnomAD compares: African/African-American, 0.15%; no homozygotes.

Submissions (2):

Labcorp Genetics (formerly Invitae), Labcorp
Classification: Likely benign. Last evaluated: 2025-07-29. Review status: criteria provided, single submitter. Criteria: Invitae Variant Classification Sherloc (09022015). Collection method: clinical testing. Allele origin: germline.

PreventionGenetics, part of Exact Sciences
Classification: Likely benign for FBN3-related condition. Last evaluated: 2019-08-09. Review status: no assertion criteria provided. Collection method: clinical testing. Allele origin: germline. Not counted in ClinVar's aggregate classification.
Comment: This variant is classified as likely benign based on ACMG/AMP sequence variant interpretation guidelines (Richards et al. 2015 PMID: 25741868, with internal and published modifications).

NM_032447.5(FBN3):c.4457-9C>A

Gene: FBN3 (fibrillin 3; minus strand). Cytogenetic location: 19p13.2.
Variant type: single nucleotide variant.
Coding change: c.4457-9C>A on transcript NM_032447.5 (MANE Select); 9 bases into the intron before coding-DNA position 4457, C replaced by A.
Molecular consequence: intron variant.
Genome position (GRCh38, 1-based): chr19:8,109,397, G>T on the plus strand (C>A on the coding strand, the complement: FBN3 is on the minus strand). VCF-style: chr19-8109397-G-T. GRCh37 (hg19) VCF-style: chr19-8174281-G-T.
Other names: c.4457-9C>A (NM_001321431.2, NM_001321431.1).
Identifiers: ClinVar variation 2064436 (VCV002064436.6), dbSNP rs368598713, ClinGen allele CA9152035.